The following is an entry in ClinVar:

NM_001384140.1(PCDH15):c.3613A>T (p.Lys1205Ter)

Gene: PCDH15 (protocadherin related 15; minus strand). Cytogenetic location: 10q21.1.
Variant type: single nucleotide variant.
Coding change: c.3613A>T on transcript NM_001384140.1 (MANE Select); coding-DNA position 3613, A replaced by T.
Protein change: p.Lys1205Ter; replaces lysine 1205 with a stop codon.
Molecular consequence: nonsense.
Genome position (GRCh38, 1-based): chr10:53,866,746, T>A on the plus strand (A>T on the coding strand, the complement: PCDH15 is on the minus strand). VCF-style: chr10-53866746-T-A. GRCh37 (hg19) VCF-style: chr10-55626506-T-A.
Other names: c.3628A>T, p.Lys1210Ter (NM_001142763.2, NM_001142771.2); c.3613A>T, p.Lys1205Ter (NM_001142764.2, NM_001142766.2, NM_001142770.3 and 4 more transcripts); c.3400A>T, p.Lys1134Ter (NM_001142765.2); c.3502A>T, p.Lys1168Ter (NM_001142767.2); c.3547A>T, p.Lys1183Ter (NM_001142768.2, NM_001142773.2, NM_001354404.2); c.3649A>T, p.Lys1217Ter (NM_001142769.4); c.3634A>T, p.Lys1212Ter (NM_001354411.2); short protein forms K1134*, K1168*, K1183*, K1205*, K1210*, K1212*, K1217*.
Identifiers: ClinVar variation 1724889 (VCV001724889.2), dbSNP rs2493336185, ClinGen allele CA376517136.

ClinVar aggregate classification (germline): Likely pathogenic (1 of 4 stars; one submission).

Conditions:
Usher syndrome type 1D (USH1D). Also called: USHER SYNDROME, TYPE ID. Identifiers: Orphanet 231169, Orphanet 886, MedGen C1832845, MONDO:0010984, OMIM 601067.

Submission:

Myriad Genetics, Inc.
Classification: Likely pathogenic for Usher syndrome type 1D. Last evaluated: 2022-03-02. Review status: criteria provided, single submitter. Criteria: Myriad Women's Health Autosomal Recessive and X-Linked Classification Criteria (2021). Collection method: clinical testing. Allele origin: unknown.
Comment: NM_033056.3(PCDH15):c.3613A>T(K1205*) is expected to be pathogenic in the context of PCDH15-related disorders. This variant is predicted to lead to an abnormal or absent protein product due to the creation of a premature termination codon in PCDH15, a gene where loss-of-function variants are known to be pathogenic. Please note: this variant was assessed in the context of healthy population screening.